The following is an entry in ClinVar:

ClinVar aggregate classification (germline): Uncertain significance (1 of 4 stars; one submission).

Submission:

Labcorp Genetics (formerly Invitae), Labcorp
Classification: Uncertain significance. Last evaluated: 2024-10-16. Review status: criteria provided, single submitter. Criteria: Invitae Variant Classification Sherloc (09022015). Collection method: clinical testing. Allele origin: germline.
Comment: This sequence change replaces threonine, which is neutral and polar, with methionine, which is neutral and non-polar, at codon 292 of the PACS2 protein (p.Thr292Met). Information on the frequency of this variant in the gnomAD database is not available, as this variant may be reported differently in the database. This variant has not been reported in the literature in individuals affected with PACS2-related conditions. An algorithm developed to predict the effect of missense changes on protein structure and function (PolyPhen-2) suggests that this variant is likely to be disruptive. In summary, the available evidence is currently insufficient to determine the role of this variant in disease. Therefore, it has been classified as a Variant of Uncertain Significance.

NM_001100913.3(PACS2):c.875_876delinsTG (p.Thr292Met)

Gene: PACS2 (phosphofurin acidic cluster sorting protein 2; plus strand). Cytogenetic location: 14q32.33.
Variant type: Indel.
Coding change: c.875_876delinsTG on transcript NM_001100913.3 (MANE Select); coding-DNA positions 875 to 876, CC replaced by TG.
Protein change: p.Thr292Met; replaces threonine 292 with methionine.
Molecular consequence: missense variant.
Genome position (GRCh38, 1-based): chr14:105,376,841-105,376,842, CC replaced by TG. VCF-style: chr14-105376841-CC-TG. GRCh37 (hg19) VCF-style: chr14-105843178-CC-TG.
Other names: c.650_651delinsTG, p.Thr217Met (NM_001243127.3); c.875_876delinsTG, p.Thr292Met (NM_015197.4); short protein forms T292M, T217M.
Identifiers: ClinVar variation 3662171 (VCV003662171.2).